The following is an entry in ClinVar:

NM_014000.3(VCL):c.1157A>G (p.Lys386Arg)

Gene: VCL (vinculin; plus strand). Cytogenetic location: 10q22.2.
Variant type: single nucleotide variant.
Coding change: c.1157A>G on transcript NM_014000.3 (MANE Select); coding-DNA position 1157, A replaced by G.
Protein change: p.Lys386Arg; replaces lysine 386 with arginine.
Molecular consequence: missense variant.
Genome position (GRCh38, 1-based): chr10:74,089,330, A>G. VCF-style: chr10-74089330-A-G. GRCh37 (hg19) VCF-style: chr10-75849088-A-G.
Other names: p.K386R:AAG>AGG; c.1157A>G, p.Lys386Arg (NM_003373.4); short protein forms K386R.
Identifiers: ClinVar variation 192102 (VCV000192102.27), dbSNP rs200342284, ClinGen allele CA238355.

ClinVar aggregate classification (germline): Conflicting classifications of pathogenicity. Review status: criteria provided, conflicting classifications (1 of 4 stars). 10 submissions from 10 submitters: Uncertain significance (1); Benign (2); Likely benign (6). 1 of the submissions does not count toward it. Last evaluated 2026-01-14.

Conditions:
VCL-related disorder. Also called: VCL-related condition.
Cardiovascular phenotype. Identifiers: MedGen CN230736.
Cardiomyopathy (CMYO). Also called: Cardiomyopathies. Identifiers: Orphanet 167848, MedGen C0878544, MONDO:0004994, HP:0001638. Inheritance: Various modes of inheritance.
Dilated cardiomyopathy 1W (CMD1W). Identifiers: Orphanet 154, MedGen C1969639, MONDO:0012667, OMIM 611407.
Primary dilated cardiomyopathy (DCM). Also called: Dilated Cardiomyopathy. Identifiers: Orphanet 217604, MedGen C0007193, MeSH D002311, MONDO:0005021, HP:0001644. Inheritance: Various modes of inheritance.

Allele frequency attached by ClinVar (database versions not stated): gnomAD below 0.00001 and 0.00027; TOPMed 0.00005; gnomAD exomes 0.00036 and 0.00058; ExAC 0.00076; 1000 Genomes Project 30x 0.00141; 1000 Genomes Project 0.00160.
gnomAD v4.1: 567 of 1,614,096 alleles (0.035%); highest among the groups gnomAD compares: South Asian, 0.6%; 8 homozygotes.

Submissions (10):

Labcorp Genetics (formerly Invitae), Labcorp
Classification: Benign for Dilated cardiomyopathy 1W. Last evaluated: 2026-01-14. Review status: criteria provided, single submitter. Criteria: Invitae Variant Classification Sherloc (09022015). Collection method: clinical testing. Allele origin: germline.

Women's Health and Genetics/Laboratory Corporation of America, LabCorp
Classification: Likely benign. Last evaluated: 2024-11-04. Review status: criteria provided, single submitter. Criteria: LabCorp Variant Classification Summary - May 2015. Collection method: clinical testing. Allele origin: germline.

Blueprint Genetics
Classification: Likely benign. Last evaluated: 2024-10-14. Review status: criteria provided, single submitter. Criteria: ACMG Guidelines, 2015. Collection method: clinical testing. Allele origin: germline.

GeneDx
Classification: Likely benign. Last evaluated: 2021-02-09. Review status: criteria provided, single submitter. Criteria: GeneDx Variant Classification Process June 2021. Collection method: clinical testing. Allele origin: germline. Affected: yes.
Comment: This variant is associated with the following publications: (PMID: 23861362)

Ambry Genetics
Classification: Likely benign for Cardiovascular phenotype. Last evaluated: 2018-10-10. Review status: criteria provided, single submitter. Criteria: Ambry Variant Classification Scheme 2023. Collection method: clinical testing. Allele origin: germline.

CHEO Genetics Diagnostic Laboratory, Children's Hospital of Eastern Ontario
Classification: Benign for Cardiomyopathy. Last evaluated: 2018-03-29. Review status: criteria provided, single submitter. Criteria: ACMG Guidelines, 2015. Collection method: clinical testing. Allele origin: germline.

Laboratory for Molecular Medicine, Mass General Brigham Personalized Medicine
Classification: Likely benign. Last evaluated: 2015-03-11. Review status: criteria provided, single submitter. Criteria: LMM Criteria. Collection method: clinical testing. Allele origin: germline. Observed: 3 variant alleles.
Comment: p.Lys386Arg in exon 9 of VCL: This variant is not expected to have clinical sign ificance it has been identified in 0.5% (90/16464) of South Asian chromosomes by the Exome Aggregation Consortium (ExAC; dbSNP r s200342284).

Biesecker Lab/Clinical Genomics Section, National Institutes of Health
Classification: Uncertain significance. Last evaluated: 2013-06-24. Review status: criteria provided, single submitter. Criteria: Ng et al. (Circ Cardiovasc Genet. 2013). Collection method: research. Allele origin: unknown. Observed: 1 variant allele. Study: ClinSeq.
Comment: The study set was not selected for affection status in relation to any cancer. Pathogenicity categories were based on literature curation. See Pubmed ID:23861362 for details.

Medical sequencing

Genetics and Genomics Program, Sidra Medicine
Classification: Likely benign for Primary dilated cardiomyopathy. Review status: criteria provided, single submitter. Criteria: ACMG Guidelines, 2015. Collection method: research. Allele origin: unknown. Affected: yes. Observed: 1 variant allele.

PreventionGenetics, part of Exact Sciences
Classification: Likely benign for VCL-related condition. Last evaluated: 2023-03-14. Review status: no assertion criteria provided. Collection method: clinical testing. Allele origin: germline. Not counted in ClinVar's aggregate classification.
Comment: This variant is classified as likely benign based on ACMG/AMP sequence variant interpretation guidelines (Richards et al. 2015 PMID: 25741868, with internal and published modifications).